The following is an entry in ClinVar:

ClinVar aggregate classification (germline): Uncertain significance (1 of 4 stars; one submission).

Allele frequency attached by ClinVar (database versions not stated): gnomAD 0.00001; TOPMed 0.00001 and below 0.00001; gnomAD exomes below 0.00001.
gnomAD v4.1: 3 of 1,613,772 alleles (0.00019%); highest among the groups gnomAD compares: Non-Finnish European, 0.00025%; no homozygotes.

Submission:

GeneDx
Classification: Uncertain significance. Last evaluated: 2013-07-31. Review status: criteria provided, single submitter. Criteria: GeneDx Variant Classification (06012015). Collection method: clinical testing. Allele origin: germline. Affected: yes.
Comment: p.Gln169Glu (CAG>GAG): c.505 C>G in exon 4 of the COQ9 gene (NM_020312.1). The Q169E missense substitution has not been published as a mutation, nor has it been reported as a benign polymorphism to our knowledge. Q169E is a non-conservative amino acid substitution as an uncharged Glutamine residue is replaced with a negatively charged Glutamic acid residue at a position in the COQ9 protein that is conserved across species. However, in silico algorithms are not consistent in their predictions as to whether or not Q169E is damaging to the structure/function of the COQ9 protein. Therefore, based on the currently available information, it is unclear whether Q169E is a disease-causing mutation or a rare benign variant. The variant is found in MITONUC-MITOP panel(s).

NM_020312.4(COQ9):c.505C>G (p.Gln169Glu)

Gene: COQ9 (coenzyme Q9; plus strand). Cytogenetic location: 16q21.
Variant type: single nucleotide variant.
Coding change: c.505C>G on transcript NM_020312.4 (MANE Select); coding-DNA position 505, C replaced by G.
Protein change: p.Gln169Glu; replaces glutamine 169 with glutamic acid.
Molecular consequence: missense variant.
Genome position (GRCh38, 1-based): chr16:57,456,630, C>G. VCF-style: chr16-57456630-C-G. GRCh37 (hg19) VCF-style: chr16-57490542-C-G.
Other names: p.Q169E:CAG>GAG; short protein forms Q169E.
Identifiers: ClinVar variation 214247 (VCV000214247.2), dbSNP rs863223940, ClinGen allele CA320617.
Genomic context (GRCh38, chr16:57,456,630, plus strand): 5'-TTTGTGACCCAGTGCAATACCCGGCTCACACGTGTGCTAGAAGAGGAGCAGAAGCTGGTA[C>G]AGTTGGGCCAGGCGGAGTAAGTCCCATGGCATTACTACTCAGGGTGGCAGCTAAGGATCA-3'
Protein context (NP_064708.1, residues 159-179): RVLEEEQKLV[Gln169Glu]LGQAEKRKTD